The following is an entry in ClinVar:

ClinVar aggregate classification (germline): Uncertain significance (1 of 4 stars; one submission).

Submission:

Ambry Genetics
Classification: Uncertain significance. Last evaluated: 2023-07-26. Review status: criteria provided, single submitter. Criteria: Ambry Variant Classification Scheme 2023. Collection method: clinical testing. Allele origin: germline.
Comment: The p.V2211F variant (also known as c.6631G>T), located in coding exon 22 of the POLQ gene, results from a G to T substitution at nucleotide position 6631. The valine at codon 2211 is replaced by phenylalanine, an amino acid with highly similar properties. This amino acid position is conserved. In addition, the in silico prediction for this alteration is inconclusive. Since supporting evidence is limited at this time, the clinical significance of this alteration remains unclear.

NM_199420.4(POLQ):c.6631G>T (p.Val2211Phe)

Gene: POLQ (DNA polymerase theta; minus strand). Cytogenetic location: 3q13.33.
Variant type: single nucleotide variant.
Coding change: c.6631G>T on transcript NM_199420.4 (MANE Select); coding-DNA position 6631, G replaced by T.
Protein change: p.Val2211Phe; replaces valine 2211 with phenylalanine.
Molecular consequence: missense variant.
Genome position (GRCh38, 1-based): chr3:121,472,077, C>A on the plus strand (G>T on the coding strand, the complement: POLQ is on the minus strand). VCF-style: chr3-121472077-C-A. GRCh37 (hg19) VCF-style: chr3-121190924-C-A.
Other names: short protein forms V2211F.
Identifiers: ClinVar variation 2624452 (VCV002624452.2), dbSNP rs201233627, ClinGen allele CA354085347.